The following is an entry in ClinVar:

ClinVar aggregate classification (germline): Uncertain significance (1 of 4 stars; one submission).

Submission:

Labcorp Genetics (formerly Invitae), Labcorp
Classification: Uncertain significance. Last evaluated: 2025-10-23. Review status: criteria provided, single submitter. Criteria: Invitae Variant Classification Sherloc (09022015). Collection method: clinical testing. Allele origin: germline.
Comment: This variant, c.1070_1072del, results in the deletion of 1 amino acid(s) of the MICAL1 protein (p.Ala357del), but otherwise preserves the integrity of the reading frame. This variant is present in population databases (rs745511179, gnomAD 0.03%), and has an allele count higher than expected for a pathogenic variant. This variant has not been reported in the literature in individuals affected with MICAL1-related conditions. Experimental studies and prediction algorithms are not available or were not evaluated, and the functional significance of this variant is currently unknown. In summary, the available evidence is currently insufficient to determine the role of this variant in disease. Therefore, it has been classified as a Variant of Uncertain Significance.

NM_022765.4(MICAL1):c.1010CTG[1] (p.Ala338del)

Gene: MICAL1 (microtubule associated monooxygenase, calponin and LIM domain containing 1; minus strand). Cytogenetic location: 6q21.
Variant type: Microsatellite.
Coding change: c.1010CTG[1] on transcript NM_022765.4 (MANE Select); one copy of the 3-base unit CTG starting at c.1010; the reference has two copies in a row; one copy, 3 bases deleted.
Protein change: p.Ala338del; deletes alanine 338.
Molecular consequence: inframe deletion. On other transcripts: intron variant (1).
Genome position (GRCh38, 1-based): chr6:109,450,476-109,450,478, CAG deleted on the plus strand (CTG on the coding strand, the reverse complement: MICAL1 is on the minus strand); deleting any 3 consecutive bases within chr6:109,450,476-109,450,482 gives the same sequence; the position shown is the placement nearest the transcript's 3' end. VCF-style (leftmost placement, unchanged base first): chr6-109450475-TCAG-T. GRCh37 (hg19) VCF-style: chr6-109771678-TCAG-T.
Other names: c.1067CTG[1], p.Ala357del (NM_001286613.2); c.934-393_934-391del (NM_001159291.2); short protein forms A357del, A338del.
Identifiers: ClinVar variation 2066870 (VCV002066870.4), dbSNP rs745511179, ClinGen allele CA3953524.
Genomic context (GRCh38, chr6:109,450,475, plus strand): 5'-GGCTGCCCATGGGCATCCTGGGCAAACTCTAGTTTCCCGAGCTTGCCATGGGTGGCAAAG[TCAG>T]CAGCTGCCCGGGTAAAGCGCTGCAGAGCCTCGGGCACCACATTGGCACTGCCCAGCAGCC-3'